The following is an entry in ClinVar:

ClinVar aggregate classification (germline): Uncertain significance (1 of 4 stars; one submission).

Submission:

GeneDx
Classification: Uncertain significance. Last evaluated: 2024-03-25. Review status: criteria provided, single submitter. Criteria: GeneDx Variant Classification Process June 2021. Collection method: clinical testing. Allele origin: germline. Affected: yes.
Comment: Not observed at significant frequency in large population cohorts (gnomAD); In silico analysis supports that this missense variant has a deleterious effect on protein structure/function; Has not been previously published as pathogenic or benign to our knowledge

NM_001330700.2(TOP2B):c.3746T>C (p.Met1249Thr)

Gene: TOP2B (DNA topoisomerase II beta; minus strand). Cytogenetic location: 3p24.2.
Variant type: single nucleotide variant.
Coding change: c.3746T>C on transcript NM_001330700.2 (MANE Select); coding-DNA position 3746, T replaced by C.
Protein change: p.Met1249Thr; replaces methionine 1249 with threonine.
Molecular consequence: missense variant.
Genome position (GRCh38, 1-based): chr3:25,612,555, A>G on the plus strand (T>C on the coding strand, the complement: TOP2B is on the minus strand). VCF-style: chr3-25612555-A-G. GRCh37 (hg19) VCF-style: chr3-25654046-A-G.
Other names: c.3731T>C, p.Met1244Thr (NM_001068.3); short protein forms M1244T, M1249T.
Identifiers: ClinVar variation 3371642 (VCV003371642.1).